The following is an entry in ClinVar:

NM_000171.4(GLRA1):c.845G>A (p.Gly282Asp)

Gene: GLRA1 (glycine receptor alpha 1; minus strand). Cytogenetic location: 5q33.1.
Variant type: single nucleotide variant.
Coding change: c.845G>A on transcript NM_000171.4 (MANE Select); coding-DNA position 845, G replaced by A.
Protein change: p.Gly282Asp; replaces glycine 282 with aspartic acid.
Molecular consequence: missense variant.
Genome position (GRCh38, 1-based): chr5:151,851,457, C>T on the plus strand (G>A on the coding strand, the complement: GLRA1 is on the minus strand). VCF-style: chr5-151851457-C-T. GRCh37 (hg19) VCF-style: chr5-151231018-C-T.
Other names: p.Gly282Asp; c.845G>A, p.Gly282Asp (NM_001146040.2); c.596G>A, p.Gly199Asp (NM_001292000.2); short protein forms G199D, G282D.
Identifiers: ClinVar variation 651584 (VCV000651584.11), dbSNP rs1581616673, ClinGen allele CA361837551.
Genomic context (GRCh38, chr5:151,851,457, plus strand): 5'-AGAGATGCTCGAGAGCCGGAGCTCTGGGTGGTCATGGTGAGCACAGTGGTGATGCCTAGG[C>T]CCACACGAGCAGGTGCAGCATCCATGTTGATCCAGAAGGAGATCCATGAGAGGATGACAA-3'
Protein context (NP_000162.2, residues 272-292): INMDAAPARV[Gly282Asp]LGITTVLTMT

ClinVar aggregate classification (germline): Conflicting classifications of pathogenicity. Review status: criteria provided, conflicting classifications (1 of 4 stars). 2 submissions from 2 submitters: Likely pathogenic (1); Uncertain significance (1). Last evaluated 2026-04-13.

Conditions:
Hyperekplexia 1 (STHE). Also called: HYPEREKPLEXIA 1, AUTOSOMAL DOMINANT; HYPEREKPLEXIA 1, AUTOSOMAL RECESSIVE; EXAGGERATED STARTLE REACTION; KOK DISEASE; STARTLE DISEASE, FAMILIAL; STIFF-BABY SYNDROME. Identifiers: Orphanet 3197, MedGen C4551954, MONDO:0007868, OMIM 149400.
Hereditary hyperekplexia. Identifiers: Orphanet 3197, MedGen C4084968, MONDO:0021022.

Submissions (2):

Department of Molecular Genetics, Istishari Arab Hospital
Classification: Likely pathogenic for Hyperekplexia 1. Last evaluated: 2026-04-13. Review status: criteria provided, single submitter. Criteria: ACMG Guidelines, 2015. Collection method: clinical testing. Allele origin: germline. Inheritance: Autosomal recessive inheritance. Affected: yes.
Comment: The GLRA1 variant c.845G>A, p.Gly282Asp results in an amino acid change from Gly to Asp at position 282. The variant is not observed in the gnomAD v4.1.0 dataset. The variant is located in a mutational hotspot and/or well-established functional domain in which established pathogenic variants have been reported (PMID: 14580232, 20631190). According to HGMD Professional, this variant has previously been described as disease-causing for Hyperekplexia (PMID: 20631190). It is classified as likely pathogenic according to the recommendations of ACMG/AMP/ClinGen SVI guidelines

Labcorp Genetics (formerly Invitae), Labcorp
Classification: Uncertain significance for Hereditary hyperekplexia. Last evaluated: 2018-07-16. Review status: criteria provided, single submitter. Criteria: Invitae Variant Classification Sherloc (09022015). Collection method: clinical testing. Allele origin: germline.
Comment: In summary, the available evidence is currently insufficient to determine the role of this variant in disease. Therefore, it has been classified as a Variant of Uncertain Significance. Experimental studies have shown that this missense change disrupts GLRA1 trafficking in vitro (PMID: 20631190). This variant has been observed in individuals affected with hyperekplexia (PMID: 20631190). This variant is also known as p.Gly254Asp in the literature. This variant is not present in population databases (ExAC no frequency). This sequence change replaces glycine with aspartic acid at codon 282 of the GLRA1 protein (p.Gly282Asp). The glycine residue is highly conserved and there is a moderate physicochemical difference between glycine and aspartic acid.

Literature cited by the submitters: PubMed 14580232 (cited by Department of Molecular Genetics, Istishari Arab Hospital); PubMed 20631190 (cited by Department of Molecular Genetics, Istishari Arab Hospital and Labcorp Genetics (formerly Invitae), Labcorp).